The following is an entry in ClinVar:

NM_000051.4(ATM):c.2823C>G (p.Ser941=)

Gene: ATM (ATM serine/threonine kinase; plus strand). Cytogenetic location: 11q22.3.
Variant type: single nucleotide variant.
Coding change: c.2823C>G on transcript NM_000051.4 (MANE Select); coding-DNA position 2823, C replaced by G.
Protein change: p.Ser941=; no amino-acid change (serine 941 retained).
Molecular consequence: synonymous variant.
Genome position (GRCh38, 1-based): chr11:108,268,594, C>G. VCF-style: chr11-108268594-C-G. GRCh37 (hg19) VCF-style: chr11-108139321-C-G.
Other names: c.2823C>G, p.Ser941= (NM_001351834.2); c.2823C>G (NM_000051.1).
Identifiers: ClinVar variation 3254116 (VCV003254116.2), dbSNP rs750504746.

ClinVar aggregate classification (germline): Benign/Likely benign. Review status: criteria provided, multiple submitters, no conflicts (2 of 4 stars). 2 submissions from 2 submitters: Benign (1); Likely benign (1). Last evaluated 2024-05-10.

Conditions:
Familial colorectal cancer type X. Identifiers: Orphanet 440437, MedGen C3896578, MONDO:0018604.
Familial cancer of breast. Also called: BREAST CANCER, FAMILIAL; Hereditary breast cancer; hereditary breast carcinoma. Identifiers: Orphanet 227535, MedGen C0346153, MONDO:0016419, OMIM 114480. Disease mechanism: loss of function.

gnomAD v4.1: 1 of 1,613,930 alleles (0.000062%); highest among the groups gnomAD compares: Non-Finnish European, 0.000085%; no homozygotes.

Submissions (2):

Myriad Genetics, Inc.
Classification: Benign for Familial cancer of breast. Last evaluated: 2024-05-10. Review status: criteria provided, single submitter. Criteria: Myriad Autosomal Dominant, Autosomal Recessive and X-Linked Classification Criteria (2023). Collection method: clinical testing. Allele origin: unknown.
Comment: This variant is considered benign. This variant is a silent/synonymous amino acid change and it is not expected to impact splicing.

Department of Pathology and Laboratory Medicine, Sinai Health System
Classification: Likely benign for Familial colorectal cancer type X. Last evaluated: 2022-05-26. Review status: criteria provided, single submitter. Criteria: ACMG Guidelines, 2015. Collection method: clinical testing. Allele origin: germline. Affected: yes.